The following is an entry in ClinVar:

ClinVar aggregate classification (germline): Uncertain significance (1 of 4 stars; one submission).

Conditions:
Short QT syndrome type 3. Identifiers: Orphanet 51083, MedGen C1865018, MONDO:0012314, OMIM 609622.
Andersen Tawil syndrome (LQT7). Also called: ANDERSEN CARDIODYSRHYTHMIC PERIODIC PARALYSIS; LONG QT SYNDROME 7; Potassium-sensitive periodic paralysis, ventricular ectopy, and dysmorphic features; PERIODIC PARALYSIS, POTASSIUM-SENSITIVE CARDIODYSRHYTHMIC TYPE; Andersen Syndrome. Identifiers: Orphanet 37553, MedGen C1563715, MONDO:0008222, OMIM 170390.

Allele frequency attached by ClinVar (database versions not stated): gnomAD exomes below 0.00001; ExAC 0.00001.

Submission:

Labcorp Genetics (formerly Invitae), Labcorp
Classification: Uncertain significance for Short QT syndrome type 3; Andersen Tawil syndrome. Last evaluated: 2022-08-24. Review status: criteria provided, single submitter. Criteria: Invitae Variant Classification Sherloc (09022015). Collection method: clinical testing. Allele origin: germline.
Comment: In summary, the available evidence is currently insufficient to determine the role of this variant in disease. Therefore, it has been classified as a Variant of Uncertain Significance. Algorithms developed to predict the effect of missense changes on protein structure and function are either unavailable or do not agree on the potential impact of this missense change (SIFT: "Deleterious"; PolyPhen-2: "Possibly Damaging"; Align-GVGD: "Class C15"). This variant has not been reported in the literature in individuals affected with KCNJ2-related conditions. This variant is present in population databases (rs772055408, gnomAD 0.003%). This sequence change replaces isoleucine, which is neutral and non-polar, with threonine, which is neutral and polar, at codon 137 of the KCNJ2 protein (p.Ile137Thr).

NM_000891.3(KCNJ2):c.410T>C (p.Ile137Thr)

Gene: KCNJ2 (potassium inwardly rectifying channel subfamily J member 2; plus strand). Cytogenetic location: 17q24.3.
Variant type: single nucleotide variant.
Coding change: c.410T>C on transcript NM_000891.3 (MANE Select); coding-DNA position 410, T replaced by C.
Protein change: p.Ile137Thr; replaces isoleucine 137 with threonine.
Molecular consequence: missense variant.
Genome position (GRCh38, 1-based): chr17:70,175,449, T>C. VCF-style: chr17-70175449-T-C. GRCh37 (hg19) VCF-style: chr17-68171590-T-C.
Other names: short protein forms I137T.
Identifiers: ClinVar variation 2110758 (VCV002110758.4), dbSNP rs772055408, ClinGen allele CA8738724.